The following is an entry in ClinVar:

NM_012154.5(AGO2):c.2140C>T (p.Arg714Trp)

Gene: AGO2 (argonaute RISC catalytic component 2; minus strand). Cytogenetic location: 8q24.3.
Variant type: single nucleotide variant.
Coding change: c.2140C>T on transcript NM_012154.5 (MANE Select); coding-DNA position 2140, C replaced by T.
Protein change: p.Arg714Trp; replaces arginine 714 with tryptophan.
Molecular consequence: missense variant.
Genome position (GRCh38, 1-based): chr8:140,539,349, G>A on the plus strand (C>T on the coding strand, the complement: AGO2 is on the minus strand). VCF-style: chr8-140539349-G-A. GRCh37 (hg19) VCF-style: chr8-141549448-G-A.
Other names: c.2140C>T, p.Arg714Trp (NM_001164623.3); short protein forms R714W.
Identifiers: ClinVar variation 1316034 (VCV001316034.8), dbSNP rs866981753, ClinGen allele CA186571232.
Genomic context (GRCh38, chr8:140,539,349, plus strand): 5'-GCCCCCTGCCTGGAGTCATGCAGAAACTCACCCGCTCGTTCTTGTCAGTGCAGAAGAGCC[G>A]GGTGTGGTGCCTCTTCTGCACCACGATGAAGGTGATCCCGGGCTGGTAGTCTTTTTCTAG-3'
Protein context (NP_036286.2, residues 704-724): FIVVQKRHHT[Arg714Trp]LFCTDKNERV

ClinVar aggregate classification (germline): Pathogenic/Likely pathogenic. Review status: criteria provided, multiple submitters, no conflicts (2 of 4 stars). 3 submissions from 3 submitters: Pathogenic (1); Likely pathogenic (1). 1 of the submissions does not count toward it. Last evaluated 2025-03-20.

Conditions:
Neurodevelopmental disorder. Identifiers: MedGen C1535926, MeSH D065886, MONDO:0700092.

Submissions (3):

GeneDx
Classification: Pathogenic. Last evaluated: 2025-03-20. Review status: criteria provided, single submitter. Criteria: GeneDx Variant Classification Process June 2021. Collection method: clinical testing. Allele origin: germline. Affected: yes.
Comment: Not observed at significant frequency in large population cohorts (gnomAD); In silico analysis supports that this missense variant has a deleterious effect on protein structure/function; Has not been previously published as pathogenic or benign to our knowledge

Laboratory of Molecular Genetics (Pr. Bezieau's lab), CHU de Nantes
Classification: Likely pathogenic for Neurodevelopmental disorder. Last evaluated: 2021-11-22. Review status: criteria provided, single submitter. Criteria: ACMG Guidelines, 2015. Collection method: clinical testing. Allele origin: germline. Affected: yes.

Molecular Genetics laboratory, Necker Hospital
Classification: Likely pathogenic. Last evaluated: 2021-04-20. Review status: no assertion criteria provided. Collection method: clinical testing. Allele origin: de novo. Affected: yes. Not counted in ClinVar's aggregate classification.